The following is an entry in ClinVar:

ClinVar aggregate classification (germline): Likely benign (1 of 4 stars; one submission).

Allele frequency attached by ClinVar (database versions not stated): gnomAD exomes 0.00011 and 0.00010; ExAC 0.00010; gnomAD 0.00011 and 0.00010; TOPMed 0.00014; ESP Exome Variant Server 0.00032.

Submission:

GeneDx
Classification: Likely benign. Last evaluated: 2017-12-08. Review status: criteria provided, single submitter. Criteria: GeneDx Variant Classification (06012015). Collection method: clinical testing. Allele origin: germline. Affected: yes.
Comment: This variant is considered likely benign or benign based on one or more of the following criteria: it is a conservative change, it occurs at a poorly conserved position in the protein, it is predicted to be benign by multiple in silico algorithms, and/or has population frequency not consistent with disease.

NM_005216.4(DDOST):c.-37T>C

Gene: DDOST (dolichyl-diphosphooligosaccharide--protein glycosyltransferase non-catalytic subunit; minus strand). Cytogenetic location: 1p36.12.
Variant type: single nucleotide variant.
Coding change: c.-37T>C on transcript NM_005216.4; 37 bases upstream of the start codon, T replaced by C.
Genome position (GRCh38, 1-based): chr1:20,661,438, A>G on the plus strand (T>C on the coding strand, the complement: DDOST is on the minus strand). VCF-style: chr1-20661438-A-G. GRCh37 (hg19) VCF-style: chr1-20987931-A-G.
Identifiers: ClinVar variation 392142 (VCV000392142.3), dbSNP rs368227579, ClinGen allele CA661423.